The following is an entry in ClinVar:

NM_000388.4(CASR):c.1670G>A (p.Gly557Glu)

Gene: CASR (calcium sensing receptor; plus strand). Cytogenetic location: 3q21.1.
Variant type: single nucleotide variant.
Coding change: c.1670G>A on transcript NM_000388.4 (MANE Select); coding-DNA position 1670, G replaced by A.
Protein change: p.Gly557Glu; replaces glycine 557 with glutamic acid.
Molecular consequence: missense variant.
Genome position (GRCh38, 1-based): chr3:122,282,174, G>A. VCF-style: chr3-122282174-G-A. GRCh37 (hg19) VCF-style: chr3-122001021-G-A.
Other names: c.1700G>A, p.Gly567Glu (NM_001178065.2); short protein forms G567E, G557E.
Identifiers: ClinVar variation 830037 (VCV000830037.11), dbSNP rs1576875835, ClinGen allele CA354156238.

ClinVar aggregate classification (germline): Likely pathogenic. Review status: criteria provided, single submitter (1 of 4 stars). 2 submissions from 2 submitters: Likely pathogenic (1). 1 of the submissions does not count toward it. Last evaluated 2019-11-13.

Conditions:
Familial hypocalciuric hypercalcemia 1. Also called: Hypercalcemia, familial benign type 1. Identifiers: Orphanet 405, Orphanet 93372, MedGen C0342637, MONDO:0007791, OMIM 145980.
Autosomal dominant hypocalcemia 1 (HYPOC1). Also called: HYPOCALCEMIA, FAMILIAL. Identifiers: MedGen C3715128, MONDO:0011013, OMIM 601198.
Familial hypocalciuric hypercalcemia (FHH). Also called: Familial benign hypercalcemia. Identifiers: Orphanet 405, MedGen C1809471, MONDO:0018458.

Submissions (2):

Labcorp Genetics (formerly Invitae), Labcorp
Classification: Likely pathogenic for Familial hypocalciuric hypercalcemia; Autosomal dominant hypocalcemia 1. Last evaluated: 2019-11-13. Review status: criteria provided, single submitter. Criteria: Invitae Variant Classification Sherloc (09022015). Collection method: clinical testing. Allele origin: germline.
Comment: This variant has been reported to affect CASR protein function (PMID: 27434672). This sequence change replaces glycine with glutamic acid at codon 557 of the CASR protein (p.Gly557Glu). The glycine residue is highly conserved and there is a moderate physicochemical difference between glycine and glutamic acid. This variant is not present in population databases (ExAC no frequency). This variant has been observed to segregate with familial hypocalciuric hypercalcemia in a family (PMID: 11762699). Also, the variant has been identified in several individuals with clinical features of familial hypocalciuric hypercalcemia (PMID: 16491288). In summary, the currently available evidence indicates that the variant is pathogenic, but additional data are needed to prove that conclusively. Therefore, this variant has been classified as Likely Pathogenic.

Bioscientia Institut fuer Medizinische Diagnostik GmbH, Sonic Healthcare
Classification: Pathogenic for Familial hypocalciuric hypercalcemia 1. Last evaluated: 2019-11-08. Review status: no assertion criteria provided. Collection method: clinical testing. Allele origin: germline. Affected: yes. Not counted in ClinVar's aggregate classification.

Literature cited by the submitters: PubMed 27434672 (cited by Labcorp Genetics (formerly Invitae), Labcorp); PubMed 11762699 (cited by Labcorp Genetics (formerly Invitae), Labcorp); PubMed 16491288 (cited by Labcorp Genetics (formerly Invitae), Labcorp).